The following is an entry in ClinVar:

NM_001348716.2(KDM6B):c.1084G>C (p.Glu362Gln)

Gene: KDM6B (lysine demethylase 6B; plus strand). Cytogenetic location: 17p13.1.
Variant type: single nucleotide variant.
Coding change: c.1084G>C on transcript NM_001348716.2 (MANE Select); coding-DNA position 1084, G replaced by C.
Protein change: p.Glu362Gln; replaces glutamic acid 362 with glutamine.
Molecular consequence: missense variant.
Genome position (GRCh38, 1-based): chr17:7,847,279, G>C. VCF-style: chr17-7847279-G-C. GRCh37 (hg19) VCF-style: chr17-7750597-G-C.
Other names: c.1084G>C, p.Glu362Gln (NM_001080424.2); short protein forms E362Q.
Identifiers: ClinVar variation 3255191 (VCV003255191.1), dbSNP rs2544523641.

ClinVar aggregate classification (germline): Uncertain significance (1 of 4 stars; one submission).

Conditions:
Neurodevelopmental disorder with coarse facies and mild distal skeletal abnormalities. Also called: STOLERMAN NEURODEVELOPMENTAL SYNDROME. Identifiers: MedGen C5193134, MONDO:0032790, OMIM 618505.

Allele frequency attached by ClinVar (database versions not stated): gnomAD exomes 0.00001.
gnomAD v4.1: 7 of 1,605,250 alleles (0.00044%); highest among the groups gnomAD compares: Non-Finnish European, 0.00059%; no homozygotes.

Submission:

Victorian Clinical Genetics Services, Murdoch Childrens Research Institute
Classification: Uncertain significance for Neurodevelopmental disorder with coarse facies and mild distal skeletal abnormalities. Last evaluated: 2023-07-17. Review status: criteria provided, single submitter. Criteria: ACMG Guidelines, 2015. Collection method: clinical testing. Allele origin: germline. Inheritance: Autosomal dominant inheritance. Affected: yes.
Comment: Based on the classification scheme VCGS_Germline_v1.3.4, this variant is classified as VUS-3B. Following criteria are met: 0102 - Loss of function is a known mechanism of disease in this gene and is associated with neurodevelopmental disorder with coarse facies and mild distal skeletal abnormalities (MIM#618505). (I) 0107 - This gene is associated with autosomal dominant disease. (I) 0200 - Variant is predicted to result in a missense amino acid change from glutamic acid to glutamine. (I) 0251 - This variant is heterozygous. (I) 0301 - Variant is absent from gnomAD (both v2 and v3). (SP) 0309 - An alternative amino acid change at the same position has been observed in gnomAD (v2) (1 heterozygote, 0 homozygotes). (I) 0502 - Missense variant with conflicting in silico predictions and uninformative conservation. (I) 0604 - Variant is not located in an established domain, motif, hotspot or informative constraint region. (I) 0705 - No comparable missense variants have previous evidence for pathogenicity. (I) 0807 - This variant has no previous evidence of pathogenicity. (I) 0905 - No published segregation evidence has been identified for this variant. (I) 1007 - No published functional evidence has been identified for this variant. (I) 1208 - Inheritance information for this variant is not currently available in this individual. (I) Legend: (SP) - Supporting pathogenic, (I) - Information, (SB) - Supporting benign